The following is an entry in ClinVar:

NM_001378454.1(ALMS1):c.10586C>T (p.Pro3529Leu)

Gene: ALMS1 (ALMS1 centrosome and basal body associated protein; plus strand). Cytogenetic location: 2p13.1.
Variant type: single nucleotide variant.
Coding change: c.10586C>T on transcript NM_001378454.1 (MANE Select); coding-DNA position 10586, C replaced by T.
Protein change: p.Pro3529Leu; replaces proline 3529 with leucine.
Molecular consequence: missense variant.
Genome position (GRCh38, 1-based): chr2:73,572,463, C>T. VCF-style: chr2-73572463-C-T. GRCh37 (hg19) VCF-style: chr2-73799590-C-T.
Other names: c.10589C>T, p.Pro3530Leu (NM_015120.4); short protein forms P3529L, P3530L.
Identifiers: ClinVar variation 3624688 (VCV003624688.3).

ClinVar aggregate classification (germline): Uncertain significance. Review status: criteria provided, multiple submitters, no conflicts (2 of 4 stars). 2 submissions from 2 submitters: Uncertain significance (2). Last evaluated 2024-12-08.

Conditions:
Alstrom syndrome (ALMS). Identifiers: Orphanet 64, MedGen C0268425, MONDO:0008763, OMIM 203800.

gnomAD v4.1: 17 of 1,613,944 alleles (0.0011%); highest among the groups gnomAD compares: Middle Eastern, 0.016%; no homozygotes.

Submissions (2):

Labcorp Genetics (formerly Invitae), Labcorp
Classification: Uncertain significance for Alstrom syndrome. Last evaluated: 2024-12-08. Review status: criteria provided, single submitter. Criteria: Invitae Variant Classification Sherloc (09022015). Collection method: clinical testing. Allele origin: germline.
Comment: This sequence change replaces proline, which is neutral and non-polar, with leucine, which is neutral and non-polar, at codon 3530 of the ALMS1 protein (p.Pro3530Leu). This variant is not present in population databases (gnomAD no frequency). This variant has not been reported in the literature in individuals affected with ALMS1-related conditions. Experimental studies and prediction algorithms are not available or were not evaluated, and the functional significance of this variant is currently unknown. In summary, the available evidence is currently insufficient to determine the role of this variant in disease. Therefore, it has been classified as a Variant of Uncertain Significance.

Blueprint Genetics
Classification: Uncertain significance. Last evaluated: 2023-02-28. Review status: criteria provided, single submitter. Criteria: ACMG Guidelines, 2015. Collection method: clinical testing. Allele origin: germline.